The following is an entry in ClinVar:

ClinVar aggregate classification (germline): Uncertain significance (1 of 4 stars; one submission).

Conditions:
Spastic paraplegia. Identifiers: MedGen C0037772, HP:0001258.

Submission:

Labcorp Genetics (formerly Invitae), Labcorp
Classification: Uncertain significance for Spastic paraplegia. Last evaluated: 2025-03-31. Review status: criteria provided, single submitter. Criteria: Invitae Variant Classification Sherloc (09022015). Collection method: clinical testing. Allele origin: germline.
Comment: This sequence change replaces aspartic acid, which is acidic and polar, with glutamic acid, which is acidic and polar, at codon 1111 of the KDM5C protein (p.Asp1111Glu). This variant is not present in population databases (gnomAD no frequency). This variant has not been reported in the literature in individuals affected with KDM5C-related conditions. Invitae Evidence Modeling of protein sequence and biophysical properties (such as structural, functional, and spatial information, amino acid conservation, physicochemical variation, residue mobility, and thermodynamic stability) indicates that this missense variant is not expected to disrupt KDM5C protein function with a negative predictive value of 95%. In summary, the available evidence is currently insufficient to determine the role of this variant in disease. Therefore, it has been classified as a Variant of Uncertain Significance.

NM_004187.5(KDM5C):c.3333C>A (p.Asp1111Glu)

Gene: KDM5C (lysine demethylase 5C; minus strand). Cytogenetic location: Xp11.22.
Variant type: single nucleotide variant.
Coding change: c.3333C>A on transcript NM_004187.5 (MANE Select); coding-DNA position 3333, C replaced by A.
Protein change: p.Asp1111Glu; replaces aspartic acid 1111 with glutamic acid.
Molecular consequence: missense variant. On other transcripts: non-coding transcript variant (3).
Genome position (GRCh38, 1-based): chrX:53,195,036, G>T on the plus strand (C>A on the coding strand, the complement: KDM5C is on the minus strand). VCF-style: chrX-53195036-G-T. GRCh37 (hg19) VCF-style: chrX-53224218-G-T.
Other names: c.3132C>A, p.Asp1044Glu (NM_001146702.2); c.3330C>A, p.Asp1110Glu (NM_001282622.3, NM_001353979.2, NM_001353982.2); c.3333C>A, p.Asp1111Glu (NM_001353978.3, NM_001353981.2, NM_001353984.2); short protein forms D1111E, D1044E, D1110E.
Identifiers: ClinVar variation 4770403 (VCV004770403.1).